The following is an entry in ClinVar:

NM_005732.4(RAD50):c.3896T>C (p.Ile1299Thr)

Genes: RAD50 (RAD50 double strand break repair protein; plus strand), TH2LCRR (T helper type 2 locus control region associated RNA; minus strand). Cytogenetic location: 5q31.1.
Variant type: single nucleotide variant.
Coding change: c.3896T>C on transcript NM_005732.4 (MANE Select); coding-DNA position 3896, T replaced by C.
Protein change: p.Ile1299Thr; replaces isoleucine 1299 with threonine.
Molecular consequence: missense variant.
Genome position (GRCh38, 1-based): chr5:132,642,321, T>C. VCF-style: chr5-132642321-T-C. GRCh37 (hg19) VCF-style: chr5-131978013-T-C.
Other names: short protein forms I1299T.
Identifiers: ClinVar variation 1406759 (VCV001406759.6), dbSNP rs2149867058, ClinGen allele CA360937321.
Genomic context (GRCh38, chr5:132,642,321, plus strand): 5'-GTTCTGAATATGTGGAGAAATTCTACAGGATTAAAAAGAACATCGATCAGTGCTCAGAGA[T>C]TGTGAAATGCAGTGTTAGCTCCCTGGGATTCAATGTTCATTAAAAATATCCAAGATTTAA-3'
Protein context (NP_005723.2, residues 1289-1309): IKKNIDQCSE[Ile1299Thr]VKCSVSSLGF

ClinVar aggregate classification (germline): Uncertain significance (1 of 4 stars; one submission).

Conditions:
Hereditary cancer-predisposing syndrome. Also called: Hereditary neoplastic syndrome; Hereditary Cancer Syndrome; Neoplastic Syndromes, Hereditary; Tumor predisposition. Identifiers: Orphanet 140162, MedGen C0027672, MeSH D009386, MONDO:0015356.

Submission:

Labcorp Genetics (formerly Invitae), Labcorp
Classification: Uncertain significance for Hereditary cancer-predisposing syndrome. Last evaluated: 2022-08-23. Review status: criteria provided, single submitter. Criteria: Invitae Variant Classification Sherloc (09022015). Collection method: clinical testing. Allele origin: germline.
Comment: In summary, the available evidence is currently insufficient to determine the role of this variant in disease. Therefore, it has been classified as a Variant of Uncertain Significance. Algorithms developed to predict the effect of missense changes on protein structure and function are either unavailable or do not agree on the potential impact of this missense change (SIFT: "Deleterious"; PolyPhen-2: "Probably Damaging"; Align-GVGD: "Class C0"). ClinVar contains an entry for this variant (Variation ID: 1406759). This variant has not been reported in the literature in individuals affected with RAD50-related conditions. This variant is not present in population databases (gnomAD no frequency). This sequence change replaces isoleucine, which is neutral and non-polar, with threonine, which is neutral and polar, at codon 1299 of the RAD50 protein (p.Ile1299Thr).